The following is an entry in ClinVar:

ClinVar aggregate classification (germline): Likely benign (1 of 4 stars; one submission).

Submission:

CeGaT Center for Human Genetics Tuebingen
Classification: Likely benign. Last evaluated: 2022-05-01. Review status: criteria provided, single submitter. Criteria: CeGaT Center For Human Genetics Tuebingen Variant Classification Criteria Version 2. Collection method: clinical testing. Allele origin: germline. Affected: yes. Observed: 1 variant allele.
Comment: NDUFS7: PM2:Supporting, BP4, BP7

NM_024407.5(NDUFS7):c.348G>A (p.Gln116=)

Gene: NDUFS7 (NADH:ubiquinone oxidoreductase core subunit S7; plus strand). Cytogenetic location: 19p13.3.
Variant type: single nucleotide variant.
Coding change: c.348G>A on transcript NM_024407.5 (MANE Select); coding-DNA position 348, G replaced by A.
Protein change: p.Gln116=; no amino-acid change (glutamine 116 retained).
Molecular consequence: synonymous variant.
Genome position (GRCh38, 1-based): chr19:1,390,990, G>A. VCF-style: chr19-1390990-G-A. GRCh37 (hg19) VCF-style: chr19-1390989-G-A.
Other names: c.348G>A, p.Gln116= (NM_001363602.2).
Identifiers: ClinVar variation 2648915 (VCV002648915.24), dbSNP rs2082552461, ClinGen allele CA504895082.